The following is an entry in ClinVar:

ClinVar aggregate classification (germline): Benign/Likely benign. Review status: criteria provided, multiple submitters, no conflicts (2 of 4 stars). 11 submissions from 11 submitters: Benign (9); Likely benign (2). Last evaluated 2026-02-04.

Conditions:
Granulomatous disease, chronic, autosomal recessive, cytochrome b-positive, type 2. Also called: GRANULOMATOUS DISEASE, CHRONIC, AUTOSOMAL RECESSIVE, 2; GRANULOMATOUS DISEASE, CHRONIC, DUE TO NCF2 DEFICIENCY; CGD, AUTOSOMAL RECESSIVE CYTOCHROME b-POSITIVE, TYPE II; Chronic granulomatous disease due to deficiency of NCF-2; Chronic Granulomatous Disease, Autosomal Recessive, Cytochrome b-Positive, Type II. Identifiers: Orphanet 379, MedGen C1856245, MONDO:0009310, OMIM 233710.

Allele frequency attached by ClinVar (database versions not stated): ESP Exome Variant Server 0.43003; gnomAD 0.45154 and 0.45656; TOPMed 0.46120; 1000 Genomes Project 30x 0.48923; ExAC 0.48949; 1000 Genomes Project 0.49161; gnomAD exomes 0.49875.
gnomAD v4.1: 780,388 of 1,613,334 alleles (48%); highest among the groups gnomAD compares: East Asian, 63%; 191,513 homozygotes.

Submissions (11):

Labcorp Genetics (formerly Invitae), Labcorp
Classification: Benign for Granulomatous disease, chronic, autosomal recessive, cytochrome b-positive, type 2. Last evaluated: 2026-02-04. Review status: criteria provided, single submitter. Criteria: Invitae Variant Classification Sherloc (09022015). Collection method: clinical testing. Allele origin: germline.

Women's Health and Genetics/Laboratory Corporation of America, LabCorp
Classification: Likely benign. Last evaluated: 2026-01-21. Review status: criteria provided, single submitter. Criteria: LabCorp Variant Classification Summary - May 2015. Collection method: clinical testing. Allele origin: germline.

Blueprint Genetics
Classification: Likely benign. Last evaluated: 2024-11-26. Review status: criteria provided, single submitter. Criteria: ACMG Guidelines, 2015. Collection method: clinical testing. Allele origin: germline.

Unidad de Genómica Garrahan, Hospital de Pediatría Garrahan
Classification: Benign. Last evaluated: 2024-01-24. Review status: criteria provided, single submitter. Criteria: ACMG Guidelines, 2015. Collection method: clinical testing. Allele origin: germline. Affected: no. Observed: 78 variant alleles.
Comment: This variant is classified as Benign based on local population frequency. This variant was detected in 82% of patients studied by a panel of primary immunodeficiencies. Number of patients: 78. Only high quality variants are reported.

Genome-Nilou Lab
Classification: Benign for Granulomatous disease, chronic, autosomal recessive, cytochrome b-positive, type 2. Last evaluated: 2021-09-05. Review status: criteria provided, single submitter. Criteria: ACMG Guidelines, 2015. Collection method: clinical testing. Allele origin: germline. Affected: no.

Mayo Clinic Laboratories, Mayo Clinic
Classification: Benign. Last evaluated: 2018-06-05. Review status: criteria provided, single submitter. Criteria: ACMG Guidelines, 2015. Collection method: clinical testing. Allele origin: germline. Observed: 249 variant alleles.

Illumina Laboratory Services, Illumina
Classification: Benign for Granulomatous disease, chronic, autosomal recessive, cytochrome b-positive, type 2. Last evaluated: 2018-01-13. Review status: criteria provided, single submitter. Criteria: ICSL Variant Classification Criteria 13 December 2019. Collection method: clinical testing. Allele origin: germline.
Comment: This variant was observed in the ICSL laboratory as part of a predisposition screen in an ostensibly healthy population. It had not been previously curated by ICSL or reported in the Human Gene Mutation Database (HGMD: prior to June 1st, 2018), and was therefore a candidate for classification through an automated scoring system. Utilizing variant allele frequency, disease prevalence and penetrance estimates, and inheritance mode, an automated score was calculated to assess if this variant is too frequent to cause the disease. Based on the score and internal cut-off values, a variant classified as benign is not then subjected to further curation. The score for this variant resulted in a classification of benign for this disease.

Laboratory for Molecular Medicine, Mass General Brigham Personalized Medicine
Classification: Benign. Last evaluated: 2016-03-28. Review status: criteria provided, single submitter. Criteria: LMM Criteria. Collection method: clinical testing. Allele origin: germline.
Comment: Variant identified in a genome or exome case(s) and assessed due to predicted null impact of the variant or pathogenic assertions in the literature or databases. Disclaimer: This variant has not undergone full assessment. The following are preliminary notes: Frequency

GeneDx
Classification: Benign. Last evaluated: 2015-03-03. Review status: criteria provided, single submitter. Criteria: GeneDx Variant Classification Process June 2021. Collection method: clinical testing. Allele origin: germline. Affected: yes.

Breakthrough Genomics
Classification: Benign. Review status: criteria provided, single submitter. Criteria: ACMG Guidelines, 2015. Collection method: not provided. Allele origin: germline. Inheritance: Autosomal recessive inheritance. Affected: yes.

PreventionGenetics, part of Exact Sciences
Classification: Benign. Review status: criteria provided, single submitter. Criteria: ACMG Guidelines, 2015. Collection method: clinical testing. Allele origin: germline.

NM_000433.4(NCF2):c.542A>G (p.Lys181Arg)

Gene: NCF2 (neutrophil cytosolic factor 2; minus strand). Cytogenetic location: 1q25.3.
Variant type: single nucleotide variant.
Coding change: c.542A>G on transcript NM_000433.4 (MANE Select); coding-DNA position 542, A replaced by G.
Protein change: p.Lys181Arg; replaces lysine 181 with arginine.
Molecular consequence: missense variant. On other transcripts: intron variant (1).
Genome position (GRCh38, 1-based): chr1:183,573,252, T>C on the plus strand (A>G on the coding strand, the complement: NCF2 is on the minus strand). VCF-style: chr1-183573252-T-C. GRCh37 (hg19) VCF-style: chr1-183542387-T-C.
Other names: c.542A>G, p.Lys181Arg (NM_001127651.3); c.407A>G, p.Lys136Arg (NM_001190794.2); c.367-2413A>G (NM_001190789.2); short protein forms K181R, K136R.
Identifiers: ClinVar variation 256116 (VCV000256116.28), dbSNP rs2274064, ClinGen allele CA1284929.